The following is an entry in ClinVar:

NM_001289808.2(CRYAB):c.465dup (p.Glu156Ter)

Gene: CRYAB (crystallin alpha B; minus strand). Cytogenetic location: 11q23.1.
Variant type: Duplication.
Coding change: c.465dup on transcript NM_001289808.2 (MANE Select); coding-DNA position 465, one base duplicated (T; older notation c.465dupT).
Protein change: p.Glu156Ter; replaces glutamic acid 156 with a stop codon.
Molecular consequence: nonsense.
Genome position (GRCh38, 1-based): chr11:111,908,827, A duplicated on the plus strand (T on the coding strand, the reverse complement: CRYAB is on the minus strand). VCF-style (leftmost placement, unchanged base first): chr11-111908826-C-CA. GRCh37 (hg19) VCF-style: chr11-111779550-C-CA.
Other names: c.465dup, p.Glu156Ter (NM_001289807.1, NM_001368245.1, NM_001885.3); c.264dup, p.Glu89Ter (NM_001330379.1, NM_001368246.1); short protein forms E156*, E89*.
Identifiers: ClinVar variation 2059190 (VCV002059190.4), dbSNP rs2497874865, ClinGen allele CA2580083255.
Genomic context (GRCh38, chr11:111,908,826, plus strand): 5'-ATTTCTTGGGGGCTGCGGTGACAGCAGGCTTCTCTTCACGGGTGATGGGAATGGTGCGCT[C>CA]AGGGCCAGAGACCTGTTTCCTTGGTCCATTCACAGTGAGGACCCCATCAGATGACAGGGA-3'

ClinVar aggregate classification (germline): Uncertain significance (1 of 4 stars; one submission).

Conditions:
Dilated cardiomyopathy 1II (CMD1II). Identifiers: Orphanet 154, MedGen C3554649, MONDO:0014073, OMIM 615184.

Submission:

Labcorp Genetics (formerly Invitae), Labcorp
Classification: Uncertain significance for Dilated cardiomyopathy 1II. Last evaluated: 2021-12-24. Review status: criteria provided, single submitter. Criteria: Invitae Variant Classification Sherloc (09022015). Collection method: clinical testing. Allele origin: germline.
Comment: In summary, the available evidence is currently insufficient to determine the role of this variant in disease. Therefore, it has been classified as a Variant of Uncertain Significance. This sequence change creates a premature translational stop signal (p.Glu156*) in the CRYAB gene. While this is not anticipated to result in nonsense mediated decay, it is expected to disrupt the last 20 amino acid(s) of the CRYAB protein. This variant is not present in population databases (gnomAD no frequency). This variant has not been reported in the literature in individuals affected with CRYAB-related conditions. Experimental studies and prediction algorithms are not available or were not evaluated, and the functional significance of this variant is currently unknown.